The following is an entry in ClinVar:

ClinVar aggregate classification (germline): Conflicting classifications of pathogenicity. Review status: criteria provided, conflicting classifications (1 of 4 stars). 4 submissions from 4 submitters: Uncertain significance (1); Likely benign (2). 1 of the submissions does not count toward it. Last evaluated 2026-01-19.

Conditions:
FLNB-Related Spectrum Disorders.
FLNB-related disorder. Also called: FLNB-related condition; FLNB-related disorders. Identifiers: MedGen CN381095.

Allele frequency attached by ClinVar (database versions not stated): gnomAD 0.00014 and 0.00015; ESP Exome Variant Server 0.00015; TOPMed 0.00019; gnomAD exomes 0.00024 and 0.00029; ExAC 0.00039.
gnomAD v4.1: 381 of 1,614,088 alleles (0.024%); highest among the groups gnomAD compares: South Asian, 0.12%; no homozygotes.

Submissions (4):

Labcorp Genetics (formerly Invitae), Labcorp
Classification: Likely benign. Last evaluated: 2026-01-19. Review status: criteria provided, single submitter. Criteria: Invitae Variant Classification Sherloc (09022015). Collection method: clinical testing. Allele origin: germline.

ARUP Laboratories, Molecular Genetics and Genomics, ARUP Laboratories
Classification: Likely benign. Last evaluated: 2024-01-31. Review status: criteria provided, single submitter. Criteria: ARUP Molecular Germline Variant Investigation Process 2024. Collection method: clinical testing. Allele origin: germline.

Illumina Laboratory Services, Illumina
Classification: Uncertain significance for FLNB-Related Spectrum Disorders. Last evaluated: 2018-01-13. Review status: criteria provided, single submitter. Criteria: ICSL Variant Classification Criteria 13 December 2019. Collection method: clinical testing. Allele origin: germline.

PreventionGenetics, part of Exact Sciences
Classification: Likely benign for FLNB-related condition. Last evaluated: 2022-03-31. Review status: no assertion criteria provided. Collection method: clinical testing. Allele origin: germline. Not counted in ClinVar's aggregate classification.
Comment: This variant is classified as likely benign based on ACMG/AMP sequence variant interpretation guidelines (Richards et al. 2015 PMID: 25741868, with internal and published modifications).

NM_001457.4(FLNB):c.4590T>C (p.Tyr1530=)

Gene: FLNB (filamin B; plus strand). Cytogenetic location: 3p14.3.
Variant type: single nucleotide variant.
Coding change: c.4590T>C on transcript NM_001457.4 (MANE Select); coding-DNA position 4590, T replaced by C.
Protein change: p.Tyr1530=; no amino-acid change (tyrosine 1530 retained).
Molecular consequence: synonymous variant.
Genome position (GRCh38, 1-based): chr3:58,134,691, T>C. VCF-style: chr3-58134691-T-C. GRCh37 (hg19) VCF-style: chr3-58120418-T-C.
Other names: c.4683T>C, p.Tyr1561= (NM_001164317.2); c.4590T>C, p.Tyr1530= (NM_001164318.2, NM_001164319.2).
Identifiers: ClinVar variation 346344 (VCV000346344.15), dbSNP rs141477764, ClinGen allele CA2468824.